The following is an entry in ClinVar:

ClinVar aggregate classification (germline): Uncertain significance (1 of 4 stars; one submission).

Conditions:
Malignant hyperthermia, susceptibility to, 5 (MHS5). Also called: CACNA1S-Related Malignant Hyperthermia Susceptibility. Identifiers: Orphanet 423, MedGen C1866077, MONDO:0011163, OMIM 601887.

Submission:

Color Diagnostics, LLC DBA Color Health
Classification: Uncertain significance for Malignant hyperthermia, susceptibility to, 5. Last evaluated: 2025-06-30. Review status: criteria provided, single submitter. Criteria: ACMG Guidelines, 2015. Collection method: clinical testing. Allele origin: germline.
Comment: This missense variant replaces tyrosine with cysteine at codon 1122 of the CACNA1S protein. Computational prediction suggests that this variant may have deleterious impact on protein structure and function. To our knowledge, functional studies have not been reported for this variant. This variant has not been reported in individuals affected with CACNA1S-related disorders in the literature. This variant has not been identified in the general population by the Genome Aggregation Database (gnomAD). The available evidence is insufficient to determine the role of this variant in disease conclusively. Therefore, this variant is classified as a Variant of Uncertain Significance.

NM_000069.3(CACNA1S):c.3365A>G (p.Tyr1122Cys)

Gene: CACNA1S (calcium voltage-gated channel subunit alpha1 S; minus strand). Cytogenetic location: 1q32.1.
Variant type: single nucleotide variant.
Coding change: c.3365A>G on transcript NM_000069.3 (MANE Select); coding-DNA position 3365, A replaced by G.
Protein change: p.Tyr1122Cys; replaces tyrosine 1122 with cysteine.
Molecular consequence: missense variant.
Genome position (GRCh38, 1-based): chr1:201,060,707, T>C on the plus strand (A>G on the coding strand, the complement: CACNA1S is on the minus strand). VCF-style: chr1-201060707-T-C. GRCh37 (hg19) VCF-style: chr1-201029835-T-C.
Other names: short protein forms Y1122C.
Identifiers: ClinVar variation 4757544 (VCV004757544.1).